The following is an entry in ClinVar:

ClinVar aggregate classification (germline): Pathogenic (1 of 4 stars; one submission).

Conditions:
Autosomal recessive juvenile Parkinson disease 2. Also called: PARKINSON DISEASE, JUVENILE, AUTOSOMAL RECESSIVE; Parkinson disease autosomal recessive, early onset; Juvenile parkinsonism; Parkinsonism, early onset, with diurnal fluctuation; PRKN-Related Early-Onset Parkinson Disease; Parkinson disease, juvenile, type 2. Identifiers: Orphanet 2828, MedGen C1868675, MONDO:0010820, OMIM 600116.

Submission:

Institute of Human Genetics, University of Leipzig Medical Center
Classification: Pathogenic for Autosomal recessive juvenile Parkinson disease 2. Last evaluated: 2025-10-14. Review status: criteria provided, single submitter. Criteria: ACMG Guidelines, 2015. Collection method: clinical testing. Allele origin: unknown. Inheritance: Autosomal recessive inheritance. Affected: yes.
Comment: Criteria applied: PVS1,PM2,PM3

NM_004562.3:c.(171+1_172-12671)_(534+1_535-1)del

Gene: PRKN (parkin RBR E3 ubiquitin protein ligase; minus strand).
Variant type: Deletion.
Other names: c.(171+1_172-12671)_(534+1_535-1)del (NM_004562.3).
Identifiers: ClinVar variation 4530572 (VCV004530572.1).